The following is an entry in ClinVar:

NM_000821.7(GGCX):c.126G>A (p.Trp42Ter)

Gene: GGCX (gamma-glutamyl carboxylase; minus strand). Cytogenetic location: 2p11.2.
Variant type: single nucleotide variant.
Coding change: c.126G>A on transcript NM_000821.7 (MANE Select); coding-DNA position 126, G replaced by A.
Protein change: p.Trp42Ter; replaces tryptophan 42 with a stop codon.
Molecular consequence: nonsense. On other transcripts: intron variant (1).
Genome position (GRCh38, 1-based): chr2:85,560,903, C>T on the plus strand (G>A on the coding strand, the complement: GGCX is on the minus strand). VCF-style: chr2-85560903-C-T. GRCh37 (hg19) VCF-style: chr2-85788026-C-T.
Other names: c.126G>A, p.Trp42Ter (NM_001311312.3); c.43+483G>A (NM_001142269.4); short protein forms W42*.
Identifiers: ClinVar variation 1434990 (VCV001434990.6), dbSNP rs1206452899, ClinGen allele CA347493430.

ClinVar aggregate classification (germline): Pathogenic (1 of 4 stars; one submission).

Allele frequency attached by ClinVar (database versions not stated): gnomAD exomes below 0.00001.
gnomAD v4.1: 3 of 1,613,856 alleles (0.00019%); highest among the groups gnomAD compares: Non-Finnish European, 0.00017%; no homozygotes.

Submission:

Labcorp Genetics (formerly Invitae), Labcorp
Classification: Pathogenic. Last evaluated: 2021-08-19. Review status: criteria provided, single submitter. Criteria: Invitae Variant Classification Sherloc (09022015). Collection method: clinical testing. Allele origin: germline.
Comment: This sequence change creates a premature translational stop signal (p.Trp42*) in the GGCX gene. It is expected to result in an absent or disrupted protein product. Loss-of-function variants in GGCX are known to be pathogenic (PMID: 17110937, 17327402, 24520408). This variant is not present in population databases (ExAC no frequency). This variant has not been reported in the literature in individuals affected with GGCX-related conditions. For these reasons, this variant has been classified as Pathogenic.

Literature cited by the submitters: PubMed 17110937; PubMed 17327402; PubMed 24520408.